The following is an entry in ClinVar:

NM_016038.4(SBDS):c.721G>A (p.Asp241Asn)

Gene: SBDS (SBDS ribosome maturation factor; minus strand). Cytogenetic location: 7q11.21.
Variant type: single nucleotide variant.
Coding change: c.721G>A on transcript NM_016038.4 (MANE Select); coding-DNA position 721, G replaced by A.
Protein change: p.Asp241Asn; replaces aspartic acid 241 with asparagine.
Molecular consequence: missense variant.
Genome position (GRCh38, 1-based): chr7:66,988,403, C>T on the plus strand (G>A on the coding strand, the complement: SBDS is on the minus strand). VCF-style: chr7-66988403-C-T. GRCh37 (hg19) VCF-style: chr7-66453390-C-T.
Other names: short protein forms D241N.
Identifiers: ClinVar variation 3950332 (VCV003950332.1).

ClinVar aggregate classification (germline): Uncertain significance (1 of 4 stars; one submission).

Conditions:
Inborn genetic diseases. Identifiers: MedGen C0950123, MeSH D030342.

Submission:

Ambry Genetics
Classification: Uncertain significance for Inborn genetic diseases. Last evaluated: 2025-05-29. Review status: criteria provided, single submitter. Criteria: Ambry Variant Classification Scheme 2023. Collection method: clinical testing. Allele origin: germline.
Comment: The p.D241N variant (also known as c.721G>A), located in coding exon 5 of the SBDS gene, results from a G to A substitution at nucleotide position 721. The aspartic acid at codon 241 is replaced by asparagine, an amino acid with highly similar properties. This amino acid position is conserved. In addition, the in silico prediction for this alteration is inconclusive. Based on the available evidence, the clinical significance of this variant remains unclear.